The following is an entry in ClinVar:

ClinVar aggregate classification (germline): Uncertain significance (1 of 4 stars; one submission).

Submission:

Greenwood Genetic Center Diagnostic Laboratories, Greenwood Genetic Center
Classification: Uncertain significance. Last evaluated: 2024-04-04. Review status: criteria provided, single submitter. Criteria: ACMG Guidelines, 2015. Collection method: clinical testing. Allele origin: germline. Affected: yes.
Comment: Gene of Uncertain Significance

NM_080594.4(RNPS1):c.228-3C>G

Gene: RNPS1 (RNA binding protein with serine rich domain 1; minus strand). Cytogenetic location: 16p13.3.
Variant type: single nucleotide variant.
Coding change: c.228-3C>G on transcript NM_080594.4 (MANE Select); 3 bases into the intron before coding-DNA position 228, C replaced by G.
Molecular consequence: intron variant.
Genome position (GRCh38, 1-based): chr16:2,263,290, G>C on the plus strand (C>G on the coding strand, the complement: RNPS1 is on the minus strand). VCF-style: chr16-2263290-G-C. GRCh37 (hg19) VCF-style: chr16-2313291-G-C.
Other names: c.228-3C>G (NM_001286625.1, NM_006711.5); c.159-3C>G (NM_001286627.2, NM_001286626.2).
Identifiers: ClinVar variation 3338489 (VCV003338489.1).
Genomic context (GRCh38, chr16:2,263,290, plus strand): 5'-ACTGCTTGAGCCAGTGCTGGTGCTGGAGCCTGAGCTGGAAGTCGAGCTGGACCGAGACCT[G>C]AGGGCAAGATGAGGGGTCACAACCACCACACACCAAGTCTCACAGTACAGACGCCTCCTC-3'